The following is an entry in ClinVar:

ClinVar aggregate classification (germline): Uncertain significance (1 of 4 stars; one submission).

Submission:

GeneDx
Classification: Uncertain significance. Last evaluated: 2024-11-01. Review status: criteria provided, single submitter. Criteria: GeneDx Variant Classification Process June 2021. Collection method: clinical testing. Allele origin: germline. Affected: yes.
Comment: Not observed at significant frequency in large population cohorts (gnomAD); In silico analysis supports that this missense variant has a deleterious effect on protein structure/function; In silico analysis supports a deleterious effect on splicing; Has not been previously published as pathogenic or benign to our knowledge

NM_001042750.2(STAG2):c.1415A>G (p.Glu472Gly)

Gene: STAG2 (STAG2 cohesin complex component; plus strand). Cytogenetic location: Xq25.
Variant type: single nucleotide variant.
Coding change: c.1415A>G on transcript NM_001042750.2 (MANE Select); coding-DNA position 1415, A replaced by G.
Protein change: p.Glu472Gly; replaces glutamic acid 472 with glycine.
Molecular consequence: missense variant.
Genome position (GRCh38, 1-based): chrX:124,057,976, A>G. VCF-style: chrX-124057976-A-G. GRCh37 (hg19) VCF-style: chrX-123191826-A-G.
Other names: c.1415A>G, p.Glu472Gly (NM_001042749.2, NM_001042751.2, NM_001282418.2 and 13 more transcripts); short protein forms E472G.
Identifiers: ClinVar variation 3897086 (VCV003897086.1).